The following is an entry in ClinVar:

ClinVar aggregate classification (germline): Likely pathogenic (1 of 4 stars; one submission).

Submissions (2):

CeGaT Center for Human Genetics Tuebingen
Classification: Likely pathogenic. Last evaluated: 2023-03-01. Review status: criteria provided, single submitter. Criteria: CeGaT Center For Human Genetics Tuebingen Variant Classification Criteria Version 2. Collection method: clinical testing. Allele origin: germline. Affected: yes. Observed: 1 variant allele.
Comment: CAD: PVS1:Strong, PM2, PM3

Dr. Peter K. Rogan Lab, Western University
No classification provided (evidence only). Condition: Ovarian serous cystadenocarcinoma. Review status: no classification provided. Collection method: in vitro. Allele origin: not applicable. Functional consequence: retained intron. Not counted in ClinVar's aggregate classification.

NM_004341.5(CAD):c.222+1G>A

Gene: CAD (carbamoyl-phosphate synthetase 2, aspartate transcarbamylase, and dihydroorotase; plus strand). Cytogenetic location: 2p23.3.
Variant type: single nucleotide variant.
Coding change: c.222+1G>A on transcript NM_004341.5 (MANE Select); the canonical splice donor site of the intron after coding-DNA position 222, G replaced by A.
Molecular consequence: splice donor variant.
Genome position (GRCh38, 1-based): chr2:27,218,017, G>A. VCF-style: chr2-27218017-G-A. GRCh37 (hg19) VCF-style: chr2-27440885-G-A.
Other names: NC_000002.11:g.27440885G>A; c.222+1G>A (NM_001306079.2).
Identifiers: ClinVar variation 1701374 (VCV001701374.32), dbSNP rs757585784, ClinGen allele CA346196521.